The following is an entry in ClinVar:

NM_145054.5(CFAP52):c.317G>A (p.Arg106Gln)

Gene: CFAP52 (cilia and flagella associated protein 52; plus strand). Cytogenetic location: 17p13.1.
Variant type: single nucleotide variant.
Coding change: c.317G>A on transcript NM_145054.5 (MANE Select); coding-DNA position 317, G replaced by A.
Protein change: p.Arg106Gln; replaces arginine 106 with glutamine.
Molecular consequence: missense variant.
Genome position (GRCh38, 1-based): chr17:9,586,744, G>A. VCF-style: chr17-9586744-G-A. GRCh37 (hg19) VCF-style: chr17-9490061-G-A.
Other names: c.317G>A, p.Arg106Gln (NM_001037306.1); c.113G>A, p.Arg38Gln (NM_001080556.2); c.113G>A (NM_001080556.1); short protein forms R106Q, R38Q.
Identifiers: ClinVar variation 2337861 (VCV002337861.3), dbSNP rs779171436, ClinGen allele CA8381835.
Genomic context (GRCh38, chr17:9,586,744, plus strand): 5'-GTTCTTGCCCCCAGGCAGACATCATTTTGTGGGATTATAAGAACAGAGAGCTGCTTGCTC[G>A]GCTGTCCCTTCACAAAGGCAAAATTGAAGCTCTGGCCTTTTCTCCAAATGATTTGTACTT-3'
Protein context (NP_659491.4, residues 96-116): WDYKNRELLA[Arg106Gln]LSLHKGKIEA

ClinVar aggregate classification (germline): Uncertain significance. Review status: criteria provided, multiple submitters, no conflicts (2 of 4 stars). 2 submissions from 2 submitters: Uncertain significance (2). Last evaluated 2024-05-28.

Allele frequency attached by ClinVar (database versions not stated): ExAC 0.00001; gnomAD 0.00003; TOPMed 0.00003.

Submissions (2):

GeneDx
Classification: Uncertain significance. Last evaluated: 2024-05-28. Review status: criteria provided, single submitter. Criteria: GeneDx Variant Classification Process June 2021. Collection method: clinical testing. Allele origin: germline. Affected: yes.
Comment: In silico analysis indicates that this missense variant does not alter protein structure/function; Has not been previously published as pathogenic or benign to our knowledge; In silico analysis is inconclusive as to whether the variant alters gene splicing. In the absence of RNA/functional studies, the actual effect of this sequence change is unknown.

Ambry Genetics
Classification: Uncertain significance. Last evaluated: 2022-12-21. Review status: criteria provided, single submitter. Criteria: Ambry Variant Classification Scheme 2023. Collection method: clinical testing. Allele origin: germline.